The following is an entry in ClinVar:

ClinVar aggregate classification (germline): Uncertain significance (1 of 4 stars; one submission).

gnomAD v4.1: 511 of 1,572,266 alleles (0.033%); highest among the groups gnomAD compares: Middle Eastern, 0.05%; no homozygotes.

Submission:

CeGaT Center for Human Genetics Tuebingen
Classification: Uncertain significance. Last evaluated: 2025-02-01. Review status: criteria provided, single submitter. Criteria: CeGaT Center For Human Genetics Tuebingen Variant Classification Criteria Version 2. Collection method: clinical testing. Allele origin: germline. Affected: yes. Observed: 1 variant allele.
Comment: DENND2A: PM2:Supporting, BP4

NM_015689.5(DENND2A):c.1779+8G>A

Gene: DENND2A (DENN domain containing 2A; minus strand). Cytogenetic location: 7q34.
Variant type: single nucleotide variant.
Coding change: c.1779+8G>A on transcript NM_015689.5 (MANE Select); 8 bases into the intron after coding-DNA position 1779, G replaced by A.
Molecular consequence: intron variant.
Genome position (GRCh38, 1-based): chr7:140,567,078, C>T on the plus strand (G>A on the coding strand, the complement: DENND2A is on the minus strand). VCF-style: chr7-140567078-C-T. GRCh37 (hg19) VCF-style: chr7-140266878-C-T.
Other names: c.1779+8G>A (NM_001318052.2, NM_001362678.2, NM_001318053.2).
Identifiers: ClinVar variation 3770654 (VCV003770654.13).